The following is an entry in ClinVar:

NM_000245.4(MET):c.173A>G (p.His58Arg)

Gene: MET (MET proto-oncogene, receptor tyrosine kinase; plus strand). Cytogenetic location: 7q31.2.
Variant type: single nucleotide variant.
Coding change: c.173A>G on transcript NM_000245.4 (MANE Select); coding-DNA position 173, A replaced by G.
Protein change: p.His58Arg; replaces histidine 58 with arginine.
Molecular consequence: missense variant. On other transcripts: intron variant (1).
Genome position (GRCh38, 1-based): chr7:116,699,257, A>G. VCF-style: chr7-116699257-A-G. GRCh37 (hg19) VCF-style: chr7-116339311-A-G.
Other names: c.173A>G, p.His58Arg (NM_001127500.3, NM_001324401.3); c.-91+26680A>G (NM_001324402.2); short protein forms H58R.
Identifiers: ClinVar variation 661993 (VCV000661993.16), dbSNP rs374578653, ClinGen allele CA164887914.

ClinVar aggregate classification (germline): Conflicting classifications of pathogenicity. Review status: criteria provided, conflicting classifications (1 of 4 stars). 4 submissions from 4 submitters: Uncertain significance (3); Likely benign (1). Last evaluated 2026-01-19.

Conditions:
Renal cell carcinoma. Identifiers: Orphanet 217071, MedGen C0007134, MeSH D002292, MONDO:0005086, HP:0005584.
Hereditary cancer-predisposing syndrome. Also called: Neoplastic Syndromes, Hereditary; Tumor predisposition; Hereditary neoplastic syndrome; Hereditary Cancer Syndrome. Identifiers: Orphanet 140162, MedGen C0027672, MeSH D009386, MONDO:0015356.

Allele frequency attached by ClinVar (database versions not stated): gnomAD exomes below 0.00001 and 0.00001; gnomAD 0.00001; ESP Exome Variant Server 0.00008.
gnomAD v4.1: 9 of 1,613,900 alleles (0.00056%); highest among the groups gnomAD compares: Middle Eastern, 0.016%; no homozygotes.

Submissions (4):

Labcorp Genetics (formerly Invitae), Labcorp
Classification: Uncertain significance for Renal cell carcinoma. Last evaluated: 2026-01-19. Review status: criteria provided, single submitter. Criteria: Invitae Variant Classification Sherloc (09022015). Collection method: clinical testing. Allele origin: germline.
Comment: This sequence change replaces histidine, which is basic and polar, with arginine, which is basic and polar, at codon 58 of the MET protein (p.His58Arg). This variant is present in population databases (rs374578653, gnomAD 0.004%). This variant has not been reported in the literature in individuals affected with MET-related conditions. ClinVar contains an entry for this variant (Variation ID: 661993). Invitae Evidence Modeling of protein sequence and biophysical properties (such as structural, functional, and spatial information, amino acid conservation, physicochemical variation, residue mobility, and thermodynamic stability) indicates that this missense variant is not expected to disrupt MET protein function with a negative predictive value of 80%. In summary, the available evidence is currently insufficient to determine the role of this variant in disease. Therefore, it has been classified as a Variant of Uncertain Significance.

Ambry Genetics
Classification: Likely benign for Hereditary cancer-predisposing syndrome. Last evaluated: 2025-01-23. Review status: criteria provided, single submitter. Criteria: Ambry Variant Classification Scheme 2023. Collection method: clinical testing. Allele origin: germline.

GeneDx
Classification: Uncertain significance. Last evaluated: 2022-01-24. Review status: criteria provided, single submitter. Criteria: GeneDx Variant Classification Process June 2021. Collection method: clinical testing. Allele origin: germline. Affected: yes.
Comment: Not observed at significant frequency in large population cohorts (gnomAD); In silico analysis, which includes protein predictors and evolutionary conservation, supports a deleterious effect; Has not been previously published as pathogenic or benign to our knowledge

Breakthrough Genomics
Classification: Uncertain significance. Review status: criteria provided, single submitter. Criteria: ACMG Guidelines, 2015. Collection method: not provided. Allele origin: germline. Inheritance: Autosomal recessive inheritance. Affected: yes.